The following is an entry in ClinVar:

ClinVar aggregate classification (germline): Uncertain significance (1 of 4 stars; one submission).

Conditions:
Autosomal recessive ataxia, Beauce type. Also called: SYNE1-Related Autosomal Recessive Cerebellar Ataxia; Spinocerebellar ataxia, autosomal recessive 8; ATAXIA, RECESSIVE, OF BEAUCE; SYNE1 Deficiency. Identifiers: Orphanet 88644, MedGen C1853116, MONDO:0012549, OMIM 610743.
Emery-Dreifuss muscular dystrophy 4, autosomal dominant (EDMD4). Also called: EMERY-DREIFUSS MUSCULAR DYSTROPHY 4 WITH VARIABLE FEATURES. Identifiers: Orphanet 261, MedGen C2751807, MONDO:0013071, OMIM 612998.

gnomAD v4.1: 2 of 1,614,166 alleles (0.00012%); highest among the groups gnomAD compares: Non-Finnish European, 0.000085%; no homozygotes.

Submission:

Labcorp Genetics (formerly Invitae), Labcorp
Classification: Uncertain significance for Emery-Dreifuss muscular dystrophy 4, autosomal dominant; Autosomal recessive ataxia, Beauce type. Last evaluated: 2023-07-10. Review status: criteria provided, single submitter. Criteria: Invitae Variant Classification Sherloc (09022015). Collection method: clinical testing. Allele origin: germline.
Comment: This sequence change replaces valine, which is neutral and non-polar, with phenylalanine, which is neutral and non-polar, at codon 6827 of the SYNE1 protein (p.Val6827Phe). This variant is not present in population databases (gnomAD no frequency). This variant has not been reported in the literature in individuals affected with SYNE1-related conditions. ClinVar contains an entry for this variant (Variation ID: 2164516). An algorithm developed to predict the effect of missense changes on protein structure and function (PolyPhen-2) suggests that this variant is likely to be disruptive. In summary, the available evidence is currently insufficient to determine the role of this variant in disease. Therefore, it has been classified as a Variant of Uncertain Significance.

NM_182961.4(SYNE1):c.20692G>T (p.Val6898Phe)

Gene: SYNE1 (spectrin repeat containing nuclear envelope protein 1; minus strand). Cytogenetic location: 6q25.2.
Variant type: single nucleotide variant.
Coding change: c.20692G>T on transcript NM_182961.4 (MANE Select); coding-DNA position 20692, G replaced by T.
Protein change: p.Val6898Phe; replaces valine 6898 with phenylalanine.
Molecular consequence: missense variant.
Genome position (GRCh38, 1-based): chr6:152,233,801, C>A on the plus strand (G>T on the coding strand, the complement: SYNE1 is on the minus strand). VCF-style: chr6-152233801-C-A. GRCh37 (hg19) VCF-style: chr6-152554936-C-A.
Other names: c.20479G>T, p.Val6827Phe (NM_033071.5); short protein forms V6827F, V6898F.
Identifiers: ClinVar variation 2164516 (VCV002164516.2), dbSNP rs769943110, ClinGen allele CA366117587.